The following is an entry in ClinVar:

ClinVar aggregate classification (germline): Uncertain significance (1 of 4 stars; one submission).

Conditions:
Congenital myasthenic syndrome 10. Also called: Myasthenia, limb-girdle, familial. Identifiers: Orphanet 590, MedGen C1850792, MONDO:0009690, OMIM 254300.
Fetal akinesia deformation sequence 1 (FADS1). Also called: Pena-Shokeir syndrome type I; Fetal akinesia sequence. Identifiers: Orphanet 994, MedGen C1276035, MONDO:0100101, OMIM 208150, HP:0001989.

gnomAD v4.1: 4 of 1,613,824 alleles (0.00025%); highest among the groups gnomAD compares: Non-Finnish European, 0.00025%; no homozygotes.

Submission:

Labcorp Genetics (formerly Invitae), Labcorp
Classification: Uncertain significance for Congenital myasthenic syndrome 10; Fetal akinesia deformation sequence 1. Last evaluated: 2025-12-24. Review status: criteria provided, single submitter. Criteria: Invitae Variant Classification Sherloc (09022015). Collection method: clinical testing. Allele origin: germline.
Comment: This sequence change replaces valine, which is neutral and non-polar, with alanine, which is neutral and non-polar, at codon 163 of the DOK7 protein (p.Val163Ala). This variant is not present in population databases (gnomAD no frequency). This variant has not been reported in the literature in individuals affected with DOK7-related conditions. Invitae Evidence Modeling of protein sequence and biophysical properties (such as structural, functional, and spatial information, amino acid conservation, physicochemical variation, residue mobility, and thermodynamic stability) indicates that this missense variant is expected to disrupt DOK7 protein function with a positive predictive value of 80%. In summary, the available evidence is currently insufficient to determine the role of this variant in disease. Therefore, it has been classified as a Variant of Uncertain Significance.

NM_173660.5(DOK7):c.488T>C (p.Val163Ala)

Gene: DOK7 (docking protein 7; plus strand). Cytogenetic location: 4p16.3.
Variant type: single nucleotide variant.
Coding change: c.488T>C on transcript NM_173660.5 (MANE Select); coding-DNA position 488, T replaced by C.
Protein change: p.Val163Ala; replaces valine 163 with alanine.
Molecular consequence: missense variant. On other transcripts: intron variant (1).
Genome position (GRCh38, 1-based): chr4:3,476,498, T>C. VCF-style: chr4-3476498-T-C. GRCh37 (hg19) VCF-style: chr4-3478225-T-C.
Other names: c.488T>C, p.Val163Ala (NM_001164673.2, NM_001301071.2); c.101-9041T>C (NM_001363811.2); short protein forms V163A.
Identifiers: ClinVar variation 4791204 (VCV004791204.1).
Genomic context (GRCh38, chr4:3,476,498, plus strand): 5'-ACATCCCCCCGGCTGTCACGGGGCAGTGGAAGCTGTCTGACCTCCGGCGCTACGGGGCCG[T>C]GCCAAGCGGATTCATCTTTGAAGGCGGGACCAGGTGTGGGTACTGTAAGTACGGATGTGT-3'
Protein context (NP_775931.3, residues 153-173): KLSDLRRYGA[Val163Ala]PSGFIFEGGT